The following is an entry in ClinVar:

ClinVar aggregate classification (germline): Pathogenic (1 of 4 stars; one submission).

Conditions:
Distal myopathy with posterior leg and anterior hand involvement. Also called: WILLIAMS DISTAL MYOPATHY. Identifiers: Orphanet 63273, MedGen C3279722, MONDO:0013550, OMIM 614065.
Hypertrophic cardiomyopathy 26. Also called: Cardiomyopathy, familial hypertrophic, 26. Identifiers: Orphanet 75249, MedGen C4310749, MONDO:0014883, OMIM 617047.
Myofibrillar myopathy 5. Also called: FILAMINOPATHY, AUTOSOMAL DOMINANT; Filaminopathy (type). Identifiers: Orphanet 171445, MedGen C1836050, MONDO:0012289, OMIM 609524.

Submission:

Labcorp Genetics (formerly Invitae), Labcorp
Classification: Pathogenic for Distal myopathy with posterior leg and anterior hand involvement; Myofibrillar myopathy 5; Hypertrophic cardiomyopathy 26. Last evaluated: 2026-01-18. Review status: criteria provided, single submitter. Criteria: Invitae Variant Classification Sherloc (09022015). Collection method: clinical testing. Allele origin: germline.
Comment: This sequence change creates a premature translational stop signal (p.Tyr554*) in the FLNC gene. It is expected to result in an absent or disrupted protein product. Loss-of-function variants in FLNC are known to be pathogenic (PMID: 27908349). This variant is not present in population databases (gnomAD no frequency). This variant has not been reported in the literature in individuals affected with FLNC-related conditions. ClinVar contains an entry for this variant (Variation ID: 1454170). For these reasons, this variant has been classified as Pathogenic.

Literature cited by the submitters: PubMed 27908349.

NM_001458.5(FLNC):c.1662C>A (p.Tyr554Ter)

Gene: FLNC (filamin C; plus strand). Cytogenetic location: 7q32.1.
Variant type: single nucleotide variant.
Coding change: c.1662C>A on transcript NM_001458.5 (MANE Select); coding-DNA position 1662, C replaced by A.
Protein change: p.Tyr554Ter; replaces tyrosine 554 with a stop codon.
Molecular consequence: nonsense.
Genome position (GRCh38, 1-based): chr7:128,840,660, C>A. VCF-style: chr7-128840660-C-A. GRCh37 (hg19) VCF-style: chr7-128480714-C-A.
Other names: c.1662C>A, p.Tyr554Ter (NM_001127487.2); short protein forms Y554*.
Identifiers: ClinVar variation 1454170 (VCV001454170.6), dbSNP rs376975967, ClinGen allele CA369226798.